The following is an entry in ClinVar:

NM_005633.4(SOS1):c.1668A>G (p.Val556=)

Gene: SOS1 (SOS Ras/Rac guanine nucleotide exchange factor 1; minus strand). Cytogenetic location: 2p22.1.
Variant type: single nucleotide variant.
Coding change: c.1668A>G on transcript NM_005633.4 (MANE Select); coding-DNA position 1668, A replaced by G.
Protein change: p.Val556=; no amino-acid change (valine 556 retained).
Molecular consequence: synonymous variant.
Genome position (GRCh38, 1-based): chr2:39,022,760, T>C on the plus strand (A>G on the coding strand, the complement: SOS1 is on the minus strand). VCF-style: chr2-39022760-T-C. GRCh37 (hg19) VCF-style: chr2-39249901-T-C.
Other names: c.1647A>G, p.Val549= (NM_001382394.1); c.1668A>G, p.Val556= (NM_001382395.1).
Identifiers: ClinVar variation 3447323 (VCV003447323.2).

ClinVar aggregate classification (germline): Likely benign. Review status: criteria provided, multiple submitters, no conflicts (2 of 4 stars). 2 submissions from 2 submitters: Likely benign (2). Last evaluated 2025-09-08.

Conditions:
Cardiovascular phenotype. Identifiers: MedGen CN230736.
SOS1-related disorder. Also called: SOS1-related condition.

Submissions (2):

PreventionGenetics, part of Exact Sciences
Classification: Likely benign for SOS1-related condition. Last evaluated: 2025-09-08. Review status: criteria provided, single submitter. Criteria: ACMG Guidelines, 2015. Collection method: clinical testing. Allele origin: germline.
Comment: This variant is classified as likely benign based on ACMG/AMP sequence variant interpretation guidelines (Richards et al. 2015 PMID: 25741868, with internal and published modifications).

Ambry Genetics
Classification: Likely benign for Cardiovascular phenotype. Last evaluated: 2024-10-22. Review status: criteria provided, single submitter. Criteria: Ambry Variant Classification Scheme 2023. Collection method: clinical testing. Allele origin: germline.